The following is an entry in ClinVar:

ClinVar aggregate classification (germline): Uncertain significance. Review status: criteria provided, multiple submitters, no conflicts (2 of 4 stars). 3 submissions from 3 submitters: Uncertain significance (3). Last evaluated 2023-09-18.

Conditions:
Hereditary cancer-predisposing syndrome. Also called: Hereditary neoplastic syndrome; Neoplastic Syndromes, Hereditary; Hereditary Cancer Syndrome; Tumor predisposition. Identifiers: Orphanet 140162, MedGen C0027672, MeSH D009386, MONDO:0015356.
Tuberous sclerosis syndrome (TSC). Also called: Tuberous Sclerosis Complex; Tuberous sclerosis. Identifiers: Orphanet 805, MedGen C0041341, MONDO:0001734.
Tuberous sclerosis 2 (TSC2). Identifiers: Orphanet 805, MedGen C1860707, MONDO:0013199, OMIM 613254.

Submissions (3):

All of Us Research Program, National Institutes of Health
Classification: Uncertain significance for Tuberous sclerosis syndrome. Last evaluated: 2023-09-18. Review status: criteria provided, single submitter. Criteria: ACMG Guidelines, 2015. Collection method: clinical testing. Allele origin: germline. Inheritance: Autosomal dominant inheritance. Observed: 1 variant allele, 1 heterozygote.
Comment: This study involves interpretation of variants in research participants for the purpose of population health screening. Participant phenotype was not available at the time of variant classification. Additional details can be found in publication PMID: 35346344, PMCID: PMC8962531

Ambry Genetics
Classification: Uncertain significance for Hereditary cancer-predisposing syndrome. Last evaluated: 2023-06-17. Review status: criteria provided, single submitter. Criteria: Ambry Variant Classification Scheme 2023. Collection method: clinical testing. Allele origin: germline.
Comment: The p.G1134C variant (also known as c.3400G>T), located in coding exon 29 of the TSC2 gene, results from a G to T substitution at nucleotide position 3400. The glycine at codon 1134 is replaced by cysteine, an amino acid with highly dissimilar properties. This amino acid position is conserved. In addition, this alteration is predicted to be deleterious by in silico analysis. Since supporting evidence is limited at this time, the clinical significance of this alteration remains unclear.

Labcorp Genetics (formerly Invitae), Labcorp
Classification: Uncertain significance for Tuberous sclerosis 2. Last evaluated: 2022-06-30. Review status: criteria provided, single submitter. Criteria: Invitae Variant Classification Sherloc (09022015). Collection method: clinical testing. Allele origin: germline.
Comment: In summary, the available evidence is currently insufficient to determine the role of this variant in disease. Therefore, it has been classified as a Variant of Uncertain Significance. Algorithms developed to predict the effect of missense changes on protein structure and function are either unavailable or do not agree on the potential impact of this missense change (SIFT: "Deleterious"; PolyPhen-2: "Probably Damaging"; Align-GVGD: "Class C0"). ClinVar contains an entry for this variant (Variation ID: 1415828). This variant has not been reported in the literature in individuals affected with TSC2-related conditions. This variant is not present in population databases (gnomAD no frequency). This sequence change replaces glycine, which is neutral and non-polar, with cysteine, which is neutral and slightly polar, at codon 1134 of the TSC2 protein (p.Gly1134Cys).

NM_000548.5(TSC2):c.3400G>T (p.Gly1134Cys)

Gene: TSC2 (TSC complex subunit 2; plus strand). Cytogenetic location: 16p13.3.
Variant type: single nucleotide variant.
Coding change: c.3400G>T on transcript NM_000548.5 (MANE Select); coding-DNA position 3400, G replaced by T.
Protein change: p.Gly1134Cys; replaces glycine 1134 with cysteine.
Molecular consequence: missense variant.
Genome position (GRCh38, 1-based): chr16:2,080,167, G>T. VCF-style: chr16-2080167-G-T. GRCh37 (hg19) VCF-style: chr16-2130168-G-T.
Other names: c.3268G>T, p.Gly1090Cys (NM_001077183.3, NM_001370404.1); c.3400G>T, p.Gly1134Cys (NM_001114382.3); c.3160G>T, p.Gly1054Cys (NM_001318827.2); c.3124G>T, p.Gly1042Cys (NM_001318829.2); c.2668G>T, p.Gly890Cys (NM_001318831.2); c.3301G>T, p.Gly1101Cys (NM_001318832.2); c.3271G>T, p.Gly1091Cys (NM_001363528.2, NM_001370405.1, NM_021055.3); c.3400G>T (NM_000548.3); short protein forms G1054C, G1042C, G1090C, G1091C, G1101C, G1134C, G890C.
Identifiers: ClinVar variation 1415828 (VCV001415828.8), dbSNP rs2089952201, ClinGen allele CA394288351.